The following is an entry in ClinVar:

ClinVar aggregate classification (germline): Uncertain significance (1 of 4 stars; one submission).

Conditions:
2-aminoadipic 2-oxoadipic aciduria (AAKAD). Also called: Aminoadipic aciduria; ALPHA-AMINOADIPIC AND ALPHA-KETOADIPIC ACIDURIA. Identifiers: Orphanet 79154, MedGen C1859817, MONDO:0008774, OMIM 204750.

Allele frequency attached by ClinVar (database versions not stated): ExAC 0.00001; gnomAD exomes 0.00001.
gnomAD v4.1: 7 of 1,613,474 alleles (0.00043%); highest among the groups gnomAD compares: Non-Finnish European, 0.00059%; no homozygotes.

Submission:

Labcorp Genetics (formerly Invitae), Labcorp
Classification: Uncertain significance for 2-aminoadipic 2-oxoadipic aciduria. Last evaluated: 2023-06-28. Review status: criteria provided, single submitter. Criteria: Invitae Variant Classification Sherloc (09022015). Collection method: clinical testing. Allele origin: germline.
Comment: In summary, the available evidence is currently insufficient to determine the role of this variant in disease. Therefore, it has been classified as a Variant of Uncertain Significance. Advanced modeling of protein sequence and biophysical properties (such as structural, functional, and spatial information, amino acid conservation, physicochemical variation, residue mobility, and thermodynamic stability) performed at Invitae indicates that this missense variant is not expected to disrupt DHTKD1 protein function. This variant has not been reported in the literature in individuals affected with DHTKD1-related conditions. This variant is present in population databases (rs779927813, gnomAD 0.0009%). This sequence change replaces aspartic acid, which is acidic and polar, with glutamic acid, which is acidic and polar, at codon 141 of the DHTKD1 protein (p.Asp141Glu).

NM_018706.7(DHTKD1):c.423T>A (p.Asp141Glu)

Gene: DHTKD1 (dehydrogenase E1 and transketolase domain containing 1; plus strand). Cytogenetic location: 10p14.
Variant type: single nucleotide variant.
Coding change: c.423T>A on transcript NM_018706.7 (MANE Select); coding-DNA position 423, T replaced by A.
Protein change: p.Asp141Glu; replaces aspartic acid 141 with glutamic acid.
Molecular consequence: missense variant.
Genome position (GRCh38, 1-based): chr10:12,084,652, T>A. VCF-style: chr10-12084652-T-A. GRCh37 (hg19) VCF-style: chr10-12126651-T-A.
Other names: short protein forms D141E.
Identifiers: ClinVar variation 2731735 (VCV002731735.3), dbSNP rs779927813, ClinGen allele CA5407532.